The following is an entry in ClinVar:

ClinVar aggregate classification (germline): Uncertain significance (1 of 4 stars; one submission).

Conditions:
Singleton-Merten syndrome 1 (SGMRT1). Also called: Widened medullary cavities of bone, aortic calcification, abnormal dentition, and muscular weakness; Syndrome of widened medullary cavities of the metacarpals and phalanges, aortic calcification and abnormal dentition. Identifiers: Orphanet 85191, MedGen C4225427, MONDO:0024535, OMIM 182250.
Aicardi-Goutieres syndrome 7 (AGS7). Identifiers: Orphanet 51, MedGen C3888244, MONDO:0014367, OMIM 615846.

Allele frequency attached by ClinVar (database versions not stated): gnomAD exomes below 0.00001.
gnomAD v4.1: 1 of 1,612,692 alleles (0.000062%); highest among the groups gnomAD compares: Non-Finnish European, 0.000085%; no homozygotes.

Submission:

Labcorp Genetics (formerly Invitae), Labcorp
Classification: Uncertain significance for Aicardi-Goutieres syndrome 7; Singleton-Merten syndrome 1. Last evaluated: 2023-09-27. Review status: criteria provided, single submitter. Criteria: Invitae Variant Classification Sherloc (09022015). Collection method: clinical testing. Allele origin: germline.
Comment: This sequence change replaces alanine, which is neutral and non-polar, with aspartic acid, which is acidic and polar, at codon 610 of the IFIH1 protein (p.Ala610Asp). In summary, the available evidence is currently insufficient to determine the role of this variant in disease. Therefore, it has been classified as a Variant of Uncertain Significance. Advanced modeling of protein sequence and biophysical properties (such as structural, functional, and spatial information, amino acid conservation, physicochemical variation, residue mobility, and thermodynamic stability) has been performed at Invitae for this missense variant, however the output from this modeling did not meet the statistical confidence thresholds required to predict the impact of this variant on IFIH1 protein function. This variant has not been reported in the literature in individuals affected with IFIH1-related conditions. This variant is not present in population databases (gnomAD no frequency).

NM_022168.4(IFIH1):c.1829C>A (p.Ala610Asp)

Gene: IFIH1 (interferon induced with helicase C domain 1; minus strand). Cytogenetic location: 2q24.2.
Variant type: single nucleotide variant.
Coding change: c.1829C>A on transcript NM_022168.4 (MANE Select); coding-DNA position 1829, C replaced by A.
Protein change: p.Ala610Asp; replaces alanine 610 with aspartic acid.
Molecular consequence: missense variant.
Genome position (GRCh38, 1-based): chr2:162,277,630, G>T on the plus strand (C>A on the coding strand, the complement: IFIH1 is on the minus strand). VCF-style: chr2-162277630-G-T. GRCh37 (hg19) VCF-style: chr2-163134140-G-T.
Other names: short protein forms A610D.
Identifiers: ClinVar variation 2952315 (VCV002952315.3), dbSNP rs2468959486, ClinGen allele CA348999653.